The following is an entry in ClinVar:

NM_018557.3(LRP1B):c.8322C>T (p.Cys2774=)

Gene: LRP1B (LDL receptor related protein 1B; minus strand). Cytogenetic location: 2q22.1.
Variant type: single nucleotide variant.
Coding change: c.8322C>T on transcript NM_018557.3 (MANE Select); coding-DNA position 8322, C replaced by T.
Protein change: p.Cys2774=; no amino-acid change (cysteine 2774 retained).
Molecular consequence: synonymous variant.
Genome position (GRCh38, 1-based): chr2:140,510,004, G>A on the plus strand (C>T on the coding strand, the complement: LRP1B is on the minus strand). VCF-style: chr2-140510004-G-A. GRCh37 (hg19) VCF-style: chr2-141267573-G-A.
Identifiers: ClinVar variation 3055616 (VCV003055616.2), dbSNP rs35821928, ClinGen allele CA1894014.
Genomic context (GRCh38, chr2:140,510,004, plus strand): 5'-AAGCTCATCGCTTCCATCTGGACAGTCCCTTTCACCATCACAAAGCCAATGTCGGGGCAC[G>A]CAGGCACGAGAGCCCTGGCAGCTGAACATGTCAGCAGCACAGGTTATGGCACCTGAAACA-3'
Protein context (NP_061027.2, residues 2764-2784): DMFSCQGSRA[Cys2774=]VPRHWLCDGE

ClinVar aggregate classification (germline): Benign (0 of 4 stars; one submission).

Conditions:
LRP1B-related disorder. Also called: LRP1B-related condition.

Allele frequency attached by ClinVar (database versions not stated): 1000 Genomes Project 0.03474; 1000 Genomes Project 30x 0.03498; TOPMed 0.05426; ExAC 0.05870; gnomAD 0.05941; ESP Exome Variant Server 0.06397; gnomAD exomes 0.06525.
gnomAD v4.1: 103,948 of 1,613,798 alleles (6.4%); highest among the groups gnomAD compares: Non-Finnish European, 7.2%; 4,002 homozygotes.

Submission:

PreventionGenetics, part of Exact Sciences
Classification: Benign for LRP1B-related condition. Last evaluated: 2019-12-16. Review status: no assertion criteria provided. Collection method: clinical testing. Allele origin: germline.
Comment: This variant is classified as benign based on ACMG/AMP sequence variant interpretation guidelines (Richards et al. 2015 PMID: 25741868, with internal and published modifications).